The following is an entry in ClinVar:

NM_004369.4(COL6A3):c.5542G>T (p.Asp1848Tyr)

Gene: COL6A3 (collagen type VI alpha 3 chain; minus strand). Cytogenetic location: 2q37.3.
Variant type: single nucleotide variant.
Coding change: c.5542G>T on transcript NM_004369.4 (MANE Select); coding-DNA position 5542, G replaced by T.
Protein change: p.Asp1848Tyr; replaces aspartic acid 1848 with tyrosine.
Molecular consequence: missense variant.
Genome position (GRCh38, 1-based): chr2:237,365,994, C>A on the plus strand (G>T on the coding strand, the complement: COL6A3 is on the minus strand). VCF-style: chr2-237365994-C-A. GRCh37 (hg19) VCF-style: chr2-238274637-C-A.
Other names: c.3721G>T, p.Asp1241Tyr (NM_057166.5); c.4924G>T, p.Asp1642Tyr (NM_057167.4); c.5542G>T (NM_004369.3); short protein forms D1848Y, D1241Y, D1642Y.
Identifiers: ClinVar variation 596609 (VCV000596609.6), dbSNP rs78904746, ClinGen allele CA351186299.

ClinVar aggregate classification (germline): Uncertain significance. Review status: criteria provided, single submitter (1 of 4 stars). 2 submissions from 2 submitters: Uncertain significance (1). 1 of the submissions does not count toward it. Last evaluated 2018-03-27.

Conditions:
COL6A3-related disorder. Also called: COL6A3-related condition; COL6A3-related disorders.

Submissions (2):

Eurofins Ntd Llc (ga)
Classification: Uncertain significance. Last evaluated: 2018-03-27. Review status: criteria provided, single submitter. Criteria: EGL ClinVar v180209 classification definitions. Collection method: clinical testing. Allele origin: germline. Observed: 1 variant allele, 1 heterozygote.

PreventionGenetics, part of Exact Sciences
Classification: Uncertain significance for COL6A3-related condition. Last evaluated: 2024-09-11. Review status: no assertion criteria provided. Collection method: clinical testing. Allele origin: germline. Not counted in ClinVar's aggregate classification.
Comment: The COL6A3 c.5542G>T variant is predicted to result in the amino acid substitution p.Asp1848Tyr. To our knowledge, this variant has not been reported in the literature or in a large population database, indicating this variant is rare. An alternate nucleotide change affecting the same amino acid (c.5544C>A, p.Asp1848Glu), has been reported in individuals with adolescent idiopathic scoliosis (Supplementary Table 4, Haller et al. 2016. PubMed ID: 26566670). At this time, the clinical significance of this variant is uncertain due to the absence of conclusive functional and genetic evidence.